The following is an entry in ClinVar:

ClinVar aggregate classification (germline): Benign/Likely benign. Review status: criteria provided, multiple submitters, no conflicts (2 of 4 stars). 16 submissions from 14 submitters: Benign (5); Likely benign (6). 5 of the submissions do not count toward it. Last evaluated 2026-02-04.

Conditions:
Usher syndrome type 1 (USH1). Also called: RETINITIS PIGMENTOSA AND CONGENITAL DEAFNESS. Identifiers: Orphanet 231169, Orphanet 886, MedGen C1568247, MONDO:0010168, OMIM 276900.
Autosomal dominant nonsyndromic hearing loss 11. Identifiers: Orphanet 90635, MedGen C1832475, MONDO:0011032, OMIM 601317.
Autosomal recessive nonsyndromic hearing loss 2. Also called: NEUROSENSORY NONSYNDROMIC RECESSIVE DEAFNESS 2; DEAFNESS, AUTOSOMAL RECESSIVE 2. Identifiers: Orphanet 90636, MedGen C1838701, MONDO:0010807, OMIM 600060.
Usher syndrome type 1B (USH1B). Also called: Usher syndrome type IB. Identifiers: MedGen C1848638, MONDO:0700087.

Allele frequency attached by ClinVar (database versions not stated): gnomAD 0.00121 and 0.00167; ExAC 0.00339; gnomAD exomes 0.00371 and 0.00099; 1000 Genomes Project 0.01178; ESP Exome Variant Server 0.00016; TOPMed 0.00163; 1000 Genomes Project 30x 0.01031.
gnomAD v4.1: 1,787 of 1,611,594 alleles (0.11%); highest among the groups gnomAD compares: East Asian, 3.3%; 39 homozygotes.

Submissions (16):

Labcorp Genetics (formerly Invitae), Labcorp
Classification: Benign. Last evaluated: 2026-02-04. Review status: criteria provided, single submitter. Criteria: Invitae Variant Classification Sherloc (09022015). Collection method: clinical testing. Allele origin: germline.

CeGaT Center for Human Genetics Tuebingen
Classification: Benign. Last evaluated: 2025-02-01. Review status: criteria provided, single submitter. Criteria: CeGaT Center For Human Genetics Tuebingen Variant Classification Criteria Version 2. Collection method: clinical testing. Allele origin: germline. Affected: yes. Observed: 4 variant alleles.
Comment: MYO7A: BS1, BS2

Blueprint Genetics
Classification: Likely benign. Last evaluated: 2024-11-20. Review status: criteria provided, single submitter. Criteria: ACMG Guidelines, 2015. Collection method: clinical testing. Allele origin: germline.

Fulgent Genetics
Classification: Likely benign for Usher syndrome type 1; Autosomal recessive nonsyndromic hearing loss 2; Autosomal dominant nonsyndromic hearing loss 11. Last evaluated: 2021-11-09. Review status: criteria provided, single submitter. Criteria: ACMG Guidelines, 2015. Collection method: clinical testing. Allele origin: unknown.

GeneDx
Classification: Benign. Last evaluated: 2018-03-14. Review status: criteria provided, single submitter. Criteria: GeneDx Variant Classification (06012015). Collection method: clinical testing. Allele origin: germline. Affected: yes.
Comment: This variant is considered likely benign or benign based on one or more of the following criteria: it is a conservative change, it occurs at a poorly conserved position in the protein, it is predicted to be benign by multiple in silico algorithms, and/or has population frequency not consistent with disease.

Illumina Laboratory Services, Illumina
Classification: Benign for Usher syndrome type 1. Last evaluated: 2018-03-06. Review status: criteria provided, single submitter. Criteria: ICSL Variant Classification Criteria 13 December 2019. Collection method: clinical testing. Allele origin: germline.
Comment: This variant was observed in the ICSL laboratory as part of a predisposition screen in an ostensibly healthy population. It had not been previously curated by ICSL or reported in the Human Gene Mutation Database (HGMD: prior to June 1st, 2018), and was therefore a candidate for classification through an automated scoring system. Utilizing variant allele frequency, disease prevalence and penetrance estimates, and inheritance mode, an automated score was calculated to assess if this variant is too frequent to cause the disease. Based on the score and internal cut-off values, a variant classified as benign is not then subjected to further curation. The score for this variant resulted in a classification of benign for this disease.

Illumina Laboratory Services, Illumina
Classification: Likely benign for Autosomal recessive nonsyndromic hearing loss 2. Last evaluated: 2018-03-06. Review status: criteria provided, single submitter. Criteria: ICSL Variant Classification Criteria 13 December 2019. Collection method: clinical testing. Allele origin: germline.
Comment: This variant was observed in the ICSL laboratory as part of a predisposition screen in an ostensibly healthy population. It had not been previously curated by ICSL or reported in the Human Gene Mutation Database (HGMD: prior to June 1st, 2018), and was therefore a candidate for classification through an automated scoring system. Utilizing variant allele frequency, disease prevalence and penetrance estimates, and inheritance mode, an automated score was calculated to assess if this variant is too frequent to cause the disease. Based on the score and internal cut-off values, a variant classified as likely benign is not then subjected to further curation. The score for this variant resulted in a classification of likely benign for this disease.

Illumina Laboratory Services, Illumina
Classification: Benign for Autosomal dominant nonsyndromic hearing loss 11. Last evaluated: 2018-03-06. Review status: criteria provided, single submitter. Criteria: ICSL Variant Classification Criteria 13 December 2019. Collection method: clinical testing. Allele origin: germline.
Comment: the same text as in the submission from Illumina Laboratory Services, Illumina above.

Eurofins Ntd Llc (ga)
Classification: Likely benign. Last evaluated: 2016-12-08. Review status: criteria provided, single submitter. Criteria: EGL Classification Definitions 2015. Collection method: clinical testing. Allele origin: germline. Observed: 1 variant allele, 1 heterozygote.

Laboratory for Molecular Medicine, Mass General Brigham Personalized Medicine
Classification: Likely benign. Last evaluated: 2012-12-07. Review status: criteria provided, single submitter. Criteria: LMM Criteria. Collection method: clinical testing. Allele origin: germline. Observed: 9 variant alleles.
Comment: p.Arg1602Gln in exon 35 of MYO7A: This variant is not expect to have clinical si gnificance because it has been identified in 4.4% (377/8484) of East Asian chrom osomes including 7 homozygotes by the Exome Aggregation Consortium (ExAC; dbSNP rs139889944). This variant was reported in 2 ind ividuals with Usher syndrome (Liu 1998, Weston 1998). It was reported in trans with p.Leu651Pro in MYO7A of uncertain significance in two affected siblings (Li u 1998) and to be homozygous in another individual (Weston 1998), which is consi stent with its allele frequency in the general population and insufficient to su pport pathogenicity.

Breakthrough Genomics
Classification: Likely benign. Review status: criteria provided, single submitter. Criteria: ACMG Guidelines, 2015. Collection method: not provided. Allele origin: germline. Inheritance: Autosomal recessive inheritance. Affected: yes.

Natera, Inc.
Classification: Benign for Usher syndrome type 1B. Last evaluated: 2020-04-17. Review status: no assertion criteria provided. Collection method: clinical testing. Allele origin: germline. Not counted in ClinVar's aggregate classification.

Department of Ophthalmology and Visual Sciences Kyoto University
Classification: Likely benign. Review status: no assertion criteria provided. Collection method: not provided. Allele origin: unknown. Not counted in ClinVar's aggregate classification.
ClinVar note: Converted during submission from probable-non-pathogenic to Likely benign.

GeneReviews
No classification provided. Condition: Usher syndrome type 1. Review status: no classification provided. Collection method: literature only. Allele origin: germline. Affected: yes. Not counted in ClinVar's aggregate classification.

Joint Genome Diagnostic Labs from Nijmegen and Maastricht, Radboudumc and MUMC+
Classification: Benign. Review status: no assertion criteria provided. Collection method: clinical testing. Allele origin: germline. Affected: yes. Study: VKGL Data-share Consensus. Not counted in ClinVar's aggregate classification.

Laboratory of Diagnostic Genome Analysis, Leiden University Medical Center (LUMC)
Classification: Likely benign. Review status: no assertion criteria provided. Collection method: clinical testing. Allele origin: germline. Affected: yes. Study: VKGL Data-share Consensus. Not counted in ClinVar's aggregate classification.

Literature cited by the submitters: PubMed 9718356 (cited by Laboratory for Molecular Medicine, Mass General Brigham Personalized Medicine); NCBI Bookshelf NBK1265 (cited by GeneReviews).

NM_000260.4(MYO7A):c.4805G>A (p.Arg1602Gln)

Gene: MYO7A (myosin VIIA; plus strand). Cytogenetic location: 11q13.5.
Variant type: single nucleotide variant.
Coding change: c.4805G>A on transcript NM_000260.4 (MANE Select); coding-DNA position 4805, G replaced by A.
Protein change: p.Arg1602Gln; replaces arginine 1602 with glutamine.
Molecular consequence: missense variant.
Genome position (GRCh38, 1-based): chr11:77,199,771, G>A. VCF-style: chr11-77199771-G-A. GRCh37 (hg19) VCF-style: chr11-76910816-G-A.
Other names: c.4691G>A, p.Arg1564Gln (NM_001127180.2); c.4658G>A, p.Arg1553Gln (NM_001369365.1); short protein forms R1602Q, R1553Q, R1564Q.
Identifiers: ClinVar variation 43260 (VCV000043260.57), dbSNP rs139889944, ClinGen allele CA132356.